The following is an entry in ClinVar:

ClinVar aggregate classification (germline): Uncertain significance (1 of 4 stars; one submission).

Conditions:
Cohen syndrome (COH1). Also called: PEPPER SYNDROME; Cutis verticis gyrata, retinitis pigmentosa, and sensorineural deafness. Identifiers: Orphanet 193, MedGen C0265223, MONDO:0008999, OMIM 216550.

Allele frequency attached by ClinVar (database versions not stated): gnomAD exomes 0.00001; TOPMed 0.00001.
gnomAD v4.1: 7 of 1,614,180 alleles (0.00043%); highest among the groups gnomAD compares: Non-Finnish European, 0.000085%; no homozygotes.

Submission:

Labcorp Genetics (formerly Invitae), Labcorp
Classification: Uncertain significance for Cohen syndrome. Last evaluated: 2025-02-02. Review status: criteria provided, single submitter. Criteria: Invitae Variant Classification Sherloc (09022015). Collection method: clinical testing. Allele origin: germline.
Comment: This sequence change replaces serine, which is neutral and polar, with proline, which is neutral and non-polar, at codon 999 of the VPS13B protein (p.Ser999Pro). This variant is present in population databases (no rsID available, gnomAD 0.02%). This variant has not been reported in the literature in individuals affected with VPS13B-related conditions. ClinVar contains an entry for this variant (Variation ID: 1009282). Invitae Evidence Modeling of protein sequence and biophysical properties (such as structural, functional, and spatial information, amino acid conservation, physicochemical variation, residue mobility, and thermodynamic stability) indicates that this missense variant is expected to disrupt VPS13B protein function with a positive predictive value of 80%. In summary, the available evidence is currently insufficient to determine the role of this variant in disease. Therefore, it has been classified as a Variant of Uncertain Significance.

NM_152564.5(VPS13B):c.2995T>C (p.Ser999Pro)

Gene: VPS13B (vacuolar protein sorting 13 homolog B; plus strand). Cytogenetic location: 8q22.2.
Variant type: single nucleotide variant.
Coding change: c.2995T>C on transcript NM_152564.5 (MANE Select); coding-DNA position 2995, T replaced by C.
Protein change: p.Ser999Pro; replaces serine 999 with proline.
Molecular consequence: missense variant.
Genome position (GRCh38, 1-based): chr8:99,391,617, T>C. VCF-style: chr8-99391617-T-C. GRCh37 (hg19) VCF-style: chr8-100403845-T-C.
Other names: c.2995T>C, p.Ser999Pro (NM_017890.5); short protein forms S999P.
Identifiers: ClinVar variation 1009282 (VCV001009282.4), dbSNP rs1429325415, ClinGen allele CA371865699.
Genomic context (GRCh38, chr8:99,391,617, plus strand): 5'-CAGCCTGTGGTAGCTGTTCCTCTTGTTATGCCAGTTTGTAGAAGGAAAGAGGATGAGGTG[T>C]CTATTGGAAGTGCCCCCTTGGCAAAGCAGCAATCATATCAGGCCTCTGAATATGCCAGCA-3'
Protein context (NP_689777.3, residues 989-1009): PVCRRKEDEV[Ser999Pro]IGSAPLAKQQ